The following is an entry in ClinVar:

ClinVar aggregate classification (germline): Uncertain significance. Review status: criteria provided, multiple submitters, no conflicts (2 of 4 stars). 5 submissions from 5 submitters: Uncertain significance (2). 3 of the submissions do not count toward it. Last evaluated 2025-08-18.

Conditions:
Aortic aneurysm, familial thoracic 8 (AAT8). Identifiers: MedGen C3809513, MONDO:0014187, OMIM 615436.
Familial thoracic aortic aneurysm and aortic dissection (TAAD). Also called: Thoracic aortic aneurysms and dissections. Identifiers: Orphanet 91387, MedGen C4707243, MONDO:0019625.

Allele frequency attached by ClinVar (database versions not stated): gnomAD 0.00001; TOPMed 0.00001; gnomAD exomes 0.00002 and 0.00003; ExAC 0.00003.
gnomAD v4.1: 38 of 1,612,640 alleles (0.0024%); highest among the groups gnomAD compares: Non-Finnish European, 0.0031%; no homozygotes.

Submissions (5):

Labcorp Genetics (formerly Invitae), Labcorp
Classification: Uncertain significance for Aortic aneurysm, familial thoracic 8. Last evaluated: 2025-08-18. Review status: criteria provided, single submitter. Criteria: Invitae Variant Classification Sherloc (09022015). Collection method: clinical testing. Allele origin: germline.
Comment: This sequence change replaces leucine, which is neutral and non-polar, with serine, which is neutral and polar, at codon 339 of the PRKG1 protein (p.Leu339Ser). This variant is present in population databases (rs775720873, gnomAD 0.005%). This missense change has been observed in individuals with PRKG1-related conditions (PMID: 29907982; internal data). This variant is also known as c.971T>C (p.Leu324Ser). ClinVar contains an entry for this variant (Variation ID: 544055). An algorithm developed to predict the effect of missense changes on protein structure and function (PolyPhen-2) suggests that this variant is likely to be disruptive. In summary, the available evidence is currently insufficient to determine the role of this variant in disease. Therefore, it has been classified as a Variant of Uncertain Significance.

Ambry Genetics
Classification: Uncertain significance for Familial thoracic aortic aneurysm and aortic dissection. Last evaluated: 2025-08-13. Review status: criteria provided, single submitter. Criteria: Ambry Variant Classification Scheme 2023. Collection method: clinical testing. Allele origin: germline.
Comment: The p.L339S variant (also known as c.1016T>C), located in coding exon 9 of the PRKG1 gene, results from a T to C substitution at nucleotide position 1016. The leucine at codon 339 is replaced by serine, an amino acid with dissimilar properties. This variant was reported in individual(s) with features consistent with PRKG1- related thoracic aortic aneurysm and dissection (TAAD) (Overwater E et al. Hum Mutat, 2018 Sep;39:1173-1192). This amino acid position is highly conserved in available vertebrate species. In addition, this alteration is predicted to be deleterious by in silico analysis. Based on the available evidence, the clinical significance of this variant remains unclear.

Clinical Genetics DNA and cytogenetics Diagnostics Lab, Erasmus MC, Erasmus Medical Center
Classification: Uncertain significance. Review status: no assertion criteria provided. Collection method: clinical testing. Allele origin: germline. Affected: yes. Study: VKGL Data-share Consensus. Not counted in ClinVar's aggregate classification.

Genome Diagnostics Laboratory, Amsterdam University Medical Center
Classification: Uncertain significance. Review status: no assertion criteria provided. Collection method: clinical testing. Allele origin: germline. Affected: yes. Study: VKGL Data-share Consensus. Not counted in ClinVar's aggregate classification.

Genome Diagnostics Laboratory, University Medical Center Utrecht
Classification: Uncertain significance. Review status: no assertion criteria provided. Collection method: clinical testing. Allele origin: germline. Affected: yes. Study: VKGL Data-share Consensus. Not counted in ClinVar's aggregate classification.

Literature cited by the submitters: PubMed 29907982 (cited by Labcorp Genetics (formerly Invitae), Labcorp and Ambry Genetics).

NM_006258.4(PRKG1):c.1016T>C (p.Leu339Ser)

Gene: PRKG1 (protein kinase cGMP-dependent 1; plus strand). Cytogenetic location: 10q21.1.
Variant type: single nucleotide variant.
Coding change: c.1016T>C on transcript NM_006258.4 (MANE Select); coding-DNA position 1016, T replaced by C.
Protein change: p.Leu339Ser; replaces leucine 339 with serine.
Molecular consequence: missense variant.
Genome position (GRCh38, 1-based): chr10:52,161,903, T>C. VCF-style: chr10-52161903-T-C. GRCh37 (hg19) VCF-style: chr10-53921663-T-C.
Other names: c.1016T>C, p.Leu339Ser (LRG_1135t1); c.971T>C, p.Leu324Ser (LRG_1135t2, NM_001098512.3); short protein forms L324S, L339S.
Identifiers: ClinVar variation 544055 (VCV000544055.11), dbSNP rs775720873, ClinGen allele CA5503732.